The following is an entry in ClinVar:

NM_020166.5(MCCC1):c.263del (p.His88fs)

Gene: MCCC1 (methylcrotonyl-CoA carboxylase subunit 1; minus strand). Cytogenetic location: 3q27.1.
Variant type: Deletion.
Coding change: c.263del on transcript NM_020166.5 (MANE Select); coding-DNA position 263, one base deleted (A; older notation c.263delA).
Protein change: p.His88fs; shifts the reading frame from histidine 88.
Molecular consequence: frameshift variant. On other transcripts: non-coding transcript variant (1), intron variant (2).
Genome position (GRCh38, 1-based): chr3:183,092,419, T deleted on the plus strand (A on the coding strand, the reverse complement: MCCC1 is on the minus strand). VCF-style (leftmost placement, unchanged base first): chr3-183092418-AT-A. GRCh37 (hg19) VCF-style: chr3-182810206-AT-A.
Other names: c.-55+2140del (NM_001363880.1); c.44+2140del (NM_001293273.2); short protein forms H88fs.
Identifiers: ClinVar variation 4816035 (VCV004816035.1).

ClinVar aggregate classification (germline): Likely pathogenic (1 of 4 stars; one submission).

Conditions:
3-methylcrotonyl-CoA carboxylase 1 deficiency (MCC1D). Also called: MCCD TYPE 1; METHYLCROTONYLGLYCINURIA TYPE I; MCC 1 deficiency; 3 Alpha methylcrotonylglycinuria 1. Identifiers: Orphanet 6, MedGen CN028786, MONDO:0008861, OMIM 210200.

Submission:

Natera, Inc.
Classification: Likely pathogenic for 3-methylcrotonyl-CoA carboxylase 1 deficiency. Last evaluated: 2024-10-19. Review status: criteria provided, single submitter. Criteria: Natera Variant Classification Schema (03/2026). Collection method: clinical testing. Allele origin: germline.
Comment: The c.263del variant in MCCC1 is a frameshift variant predicted to shift the reading frame beginning at codon 88 and leads to a stop codon 2 codons downstream. This variant is expected to result in nonsense mediated decay, truncation, or a dysfunctional protein product. This variant is rare in the general population with a frequency below the threshold expected for the associated phenotype(s). Given the available evidence, this variant is classified as Likely Pathogenic.